The following is an entry in ClinVar:

NM_001322934.2(NFKB2):c.1892G>T (p.Arg631Leu)

Gene: NFKB2 (nuclear factor kappa B subunit 2; plus strand). Cytogenetic location: 10q24.32.
Variant type: single nucleotide variant.
Coding change: c.1892G>T on transcript NM_001322934.2 (MANE Select); coding-DNA position 1892, G replaced by T.
Protein change: p.Arg631Leu; replaces arginine 631 with leucine.
Molecular consequence: missense variant.
Genome position (GRCh38, 1-based): chr10:102,400,748, G>T. VCF-style: chr10-102400748-G-T. GRCh37 (hg19) VCF-style: chr10-104160505-G-T.
Other names: c.1892G>T, p.Arg631Leu (LRG_1347t1, NM_001077494.3, NM_001261403.3 and 2 more transcripts); c.1766G>T, p.Arg589Leu (NM_001322935.1); short protein forms R631L, R589L.
Identifiers: ClinVar variation 583288 (VCV000583288.9), dbSNP rs757608785, ClinGen allele CA377902880.
Genomic context (GRCh38, chr10:102,400,748, plus strand): 5'-GAAGCCCTGAGTGCCTGGATCTGCTGGTGGACAGTGGGGCTGAAGTGGAGGCCACAGAGC[G>T]GCAGGGGGGACGAACAGCCTTGCATCTAGCCACAGAGATGGAGGAGCTGGGGTTGGTCAC-3'
Protein context (NP_001309863.1, residues 621-641): DSGAEVEATE[Arg631Leu]QGGRTALHLA

ClinVar aggregate classification (germline): Uncertain significance (1 of 4 stars; one submission).

Conditions:
Immunodeficiency, common variable, 10. Also called: IMMUNODEFICIENCY, COMMON VARIABLE, WITH CENTRAL ADRENAL INSUFFICIENCY; DEFICIT IN ANTERIOR PITUITARY FUNCTION AND VARIABLE IMMUNODEFICIENCY. Identifiers: MedGen C3809991, MONDO:0014260, OMIM 615577.

Submission:

Labcorp Genetics (formerly Invitae), Labcorp
Classification: Uncertain significance for Immunodeficiency, common variable, 10. Last evaluated: 2022-09-27. Review status: criteria provided, single submitter. Criteria: Invitae Variant Classification Sherloc (09022015). Collection method: clinical testing. Allele origin: germline.
Comment: This variant has not been reported in the literature in individuals affected with NFKB2-related conditions. In summary, the available evidence is currently insufficient to determine the role of this variant in disease. Therefore, it has been classified as a Variant of Uncertain Significance. Algorithms developed to predict the effect of missense changes on protein structure and function are either unavailable or do not agree on the potential impact of this missense change (SIFT: "Deleterious"; PolyPhen-2: "Probably Damaging"; Align-GVGD: "Class C0"). ClinVar contains an entry for this variant (Variation ID: 583288). This variant is not present in population databases (gnomAD no frequency). This sequence change replaces arginine, which is basic and polar, with leucine, which is neutral and non-polar, at codon 631 of the NFKB2 protein (p.Arg631Leu).